The following is an entry in ClinVar:

NM_003309.4(TSPYL1):c.959A>G (p.Lys320Arg)

Genes: DSE (dermatan sulfate epimerase; plus strand), TSPYL1 (TSPY like 1; minus strand). Cytogenetic location: 6q22.1.
Variant type: single nucleotide variant.
Coding change: c.959A>G on transcript NM_003309.4 (MANE Select); coding-DNA position 959, A replaced by G.
Protein change: p.Lys320Arg; replaces lysine 320 with arginine.
Molecular consequence: missense variant. On other transcripts: intron variant (6).
Genome position (GRCh38, 1-based): chr6:116,278,872, T>C on the plus strand (A>G on the coding strand, the complement: TSPYL1 is on the minus strand). VCF-style: chr6-116278872-T-C. GRCh37 (hg19) VCF-style: chr6-116600035-T-C.
Other names: c.-954+19905T>C (NM_001374520.1); c.-54+19905T>C (NM_001322937.2, NM_001322938.2, NM_001374522.1); c.-641+19905T>C (NM_001374521.1); c.-611+19905T>C (NM_001322940.2); short protein forms K320R.
Identifiers: ClinVar variation 3592991 (VCV003592991.3).

ClinVar aggregate classification (germline): Uncertain significance. Review status: criteria provided, multiple submitters, no conflicts (2 of 4 stars). 2 submissions from 2 submitters: Uncertain significance (2). Last evaluated 2026-05-01.

Conditions:
Sudden infant death-dysgenesis of the testes syndrome. Identifiers: Orphanet 168593, MedGen C1837371, MONDO:0012124, OMIM 608800.

gnomAD v4.1: 45 of 1,614,062 alleles (0.0028%); highest among the groups gnomAD compares: Admixed American, 0.0033%; no homozygotes.

Submissions (2):

CeGaT Center for Human Genetics Tuebingen
Classification: Uncertain significance. Last evaluated: 2026-05-01. Review status: criteria provided, single submitter. Criteria: CeGaT Center For Human Genetics Tuebingen Variant Classification Criteria Version 2. Collection method: clinical testing. Allele origin: germline. Affected: yes. Observed: 1 variant allele.
Comment: TSPYL1: PM2

Fulgent Genetics
Classification: Uncertain significance for Sudden infant death-dysgenesis of the testes syndrome. Last evaluated: 2024-02-12. Review status: criteria provided, single submitter. Criteria: ACMG Guidelines, 2015. Collection method: clinical testing. Allele origin: germline.